The following is an entry in ClinVar:

ClinVar aggregate classification (germline): Uncertain significance (1 of 4 stars; one submission).

Allele frequency attached by ClinVar (database versions not stated): gnomAD exomes 0.00002 and 0.00006; ExAC 0.00011; TOPMed below 0.00001.

Submission:

Mayo Clinic Laboratories, Mayo Clinic
Classification: Uncertain significance. Last evaluated: 2025-07-17. Review status: criteria provided, single submitter. Criteria: ACMG Guidelines, 2015. Collection method: clinical testing. Allele origin: germline. Observed: 3 variant alleles.
Comment: BP4_moderate

NM_001142864.4(PIEZO1):c.4904C>G (p.Ala1635Gly)

Gene: PIEZO1 (piezo type mechanosensitive ion channel component 1 (Er blood group); minus strand). Cytogenetic location: 16q24.3.
Variant type: single nucleotide variant.
Coding change: c.4904C>G on transcript NM_001142864.4 (MANE Select); coding-DNA position 4904, C replaced by G.
Protein change: p.Ala1635Gly; replaces alanine 1635 with glycine.
Molecular consequence: missense variant.
Genome position (GRCh38, 1-based): chr16:88,722,269, G>C on the plus strand (C>G on the coding strand, the complement: PIEZO1 is on the minus strand). VCF-style: chr16-88722269-G-C. GRCh37 (hg19) VCF-style: chr16-88788677-G-C.
Other names: p.Ala1635Gly; short protein forms A1635G.
Identifiers: ClinVar variation 1693677 (VCV001693677.5), dbSNP rs746078716, ClinGen allele CA8232007.